The following is an entry in ClinVar:

ClinVar aggregate classification (germline): Uncertain significance. Review status: criteria provided, multiple submitters, no conflicts (2 of 4 stars). 2 submissions from 2 submitters: Uncertain significance (2). Last evaluated 2025-07-17.

Conditions:
Baller-Gerold syndrome (BGS). Also called: CRANIOSYNOSTOSIS WITH RADIAL DEFECTS. Identifiers: Orphanet 1225, MedGen C0265308, MONDO:0009039, OMIM 218600.
Inborn genetic diseases. Identifiers: MedGen C0950123, MeSH D030342.

Allele frequency attached by ClinVar (database versions not stated): gnomAD 0.00001.
gnomAD v4.1: 1 of 1,612,434 alleles (0.000062%); no homozygotes.

Submissions (2):

Ambry Genetics
Classification: Uncertain significance for Inborn genetic diseases. Last evaluated: 2025-07-17. Review status: criteria provided, single submitter. Criteria: Ambry Variant Classification Scheme 2023. Collection method: clinical testing. Allele origin: germline.
Comment: The p.D1134N variant (also known as c.3400G>A), located in coding exon 20 of the RECQL4 gene, results from a G to A substitution at nucleotide position 3400. The aspartic acid at codon 1134 is replaced by asparagine, an amino acid with highly similar properties. This amino acid position is conserved. Based on the available evidence, the clinical significance of this variant remains unclear.

Labcorp Genetics (formerly Invitae), Labcorp
Classification: Uncertain significance for Baller-Gerold syndrome. Last evaluated: 2025-01-23. Review status: criteria provided, single submitter. Criteria: Invitae Variant Classification Sherloc (09022015). Collection method: clinical testing. Allele origin: germline.
Comment: This sequence change replaces aspartic acid, which is acidic and polar, with asparagine, which is neutral and polar, at codon 1134 of the RECQL4 protein (p.Asp1134Asn). This variant is present in population databases (no rsID available, gnomAD no frequency). This variant has not been reported in the literature in individuals affected with RECQL4-related conditions. ClinVar contains an entry for this variant (Variation ID: 2082150). Invitae Evidence Modeling of protein sequence and biophysical properties (such as structural, functional, and spatial information, amino acid conservation, physicochemical variation, residue mobility, and thermodynamic stability) indicates that this missense variant is not expected to disrupt RECQL4 protein function with a negative predictive value of 80%. In summary, the available evidence is currently insufficient to determine the role of this variant in disease. Therefore, it has been classified as a Variant of Uncertain Significance.

NM_004260.4(RECQL4):c.3400G>A (p.Asp1134Asn)

Gene: RECQL4 (RecQ like helicase 4; minus strand). Cytogenetic location: 8q24.3.
Variant type: single nucleotide variant.
Coding change: c.3400G>A on transcript NM_004260.4 (MANE Select); coding-DNA position 3400, G replaced by A.
Protein change: p.Asp1134Asn; replaces aspartic acid 1134 with asparagine.
Molecular consequence: missense variant.
Genome position (GRCh38, 1-based): chr8:144,511,783, C>T on the plus strand (G>A on the coding strand, the complement: RECQL4 is on the minus strand). VCF-style: chr8-144511783-C-T. GRCh37 (hg19) VCF-style: chr8-145737166-C-T.
Other names: c.3400G>A (NM_004260.3); c.2131G>A, p.Asp711Asn (NM_001413031.1, NM_001413038.1); c.2263G>A, p.Asp755Asn (NM_001413032.1, NM_001413027.1, NM_001413030.1); c.3268G>A, p.Asp1090Asn (NM_001413033.1); c.2329G>A, p.Asp777Asn (NM_001413034.1, NM_001413035.1, NM_001413040.1 and 4 more transcripts); c.3409G>A, p.Asp1137Asn (NM_001413036.1); c.2197G>A, p.Asp733Asn (NM_001413037.1); c.3370G>A, p.Asp1124Asn (NM_001413039.1); and 10 more; short protein forms D1017N, D1159N, D733N, D802N, D1036N, D1068N, D1137N, D711N.
Identifiers: ClinVar variation 2082150 (VCV002082150.5), dbSNP rs1220462752, ClinGen allele CA372667617.
Genomic context (GRCh38, chr8:144,511,783, plus strand): 5'-TCTCCTCTGGCCTCAGGGACAGGAACTGGCGGATGTCGCAGCGGACCTGGTCCTCCCAAT[C>T]CTGGAGCTGTGTGGACAGGCACATCAGGCTTCCTCTGAGCTCCCGTGGCACTGCATCCAC-3'
Protein context (NP_004251.4, residues 1124-1144): GPEPGQARLQ[Asp1134Asn]WEDQVRCDIR